The following is an entry in ClinVar:

NM_001289080.2(CNTN6):c.2164G>A (p.Glu722Lys)

Gene: CNTN6 (contactin 6; plus strand). Cytogenetic location: 3p26.3.
Variant type: single nucleotide variant.
Coding change: c.2164G>A on transcript NM_001289080.2 (MANE Select); coding-DNA position 2164, G replaced by A.
Protein change: p.Glu722Lys; replaces glutamic acid 722 with lysine.
Molecular consequence: missense variant.
Genome position (GRCh38, 1-based): chr3:1,377,073, G>A. VCF-style: chr3-1377073-G-A. GRCh37 (hg19) VCF-style: chr3-1418757-G-A.
Other names: c.1948G>A, p.Glu650Lys (NM_001289081.2); c.2164G>A, p.Glu722Lys (NM_001349350.2, NM_001349351.2, NM_001349352.2 and 4 more transcripts); c.2056G>A, p.Glu686Lys (NM_001349356.2); c.1852G>A, p.Glu618Lys (NM_001349357.2); c.1609G>A, p.Glu537Lys (NM_001349358.2); c.1042G>A, p.Glu348Lys (NM_001349359.2, NM_001349360.2, NM_001349361.2 and 1 more transcripts); short protein forms E348K, E537K, E618K, E650K, E686K, E722K.
Identifiers: ClinVar variation 5020497 (VCV005020497.1).

ClinVar aggregate classification (germline): Uncertain significance (1 of 4 stars; one submission).

Submission:

Dasa
Classification: Uncertain significance. Last evaluated: 2026-05-22. Review status: criteria provided, single submitter. Criteria: DASA Assertion Criteria. Collection method: clinical testing. Allele origin: germline.
Comment: NM_001289080.2(CNTN6):c.2164G>A (p.Glu722Lys) is a missense variant that results in the substitution of glutamic acid with lysine. This variant is rare in population databases. Computational prediction algorithms are consistent with a deleterious effect. The currently available literature and clinical evidence are not sufficient to establish a definitive association between this variant and the reported condition. Therefore, this variant is classified as a variant of uncertain significance.